The following is an entry in ClinVar:

ClinVar aggregate classification (germline): Uncertain significance (1 of 4 stars; one submission).

Conditions:
Cardiovascular phenotype. Identifiers: MedGen CN230736.
Hereditary cancer-predisposing syndrome. Also called: Neoplastic Syndromes, Hereditary; Tumor predisposition; Hereditary Cancer Syndrome; Hereditary neoplastic syndrome. Identifiers: Orphanet 140162, MedGen C0027672, MeSH D009386, MONDO:0015356.

Submission:

Ambry Genetics
Classification: Uncertain significance for Cardiovascular phenotype; Hereditary cancer-predisposing syndrome. Last evaluated: 2025-10-25. Review status: criteria provided, single submitter. Criteria: Ambry Variant Classification Scheme 2023. Collection method: clinical testing. Allele origin: germline.
Comment: The p.G84C variant (also known as c.250G>T), located in coding exon 2 of the LZTR1 gene, results from a G to T substitution at nucleotide position 250. The glycine at codon 84 is replaced by cysteine, an amino acid with highly dissimilar properties. This amino acid position is conserved. In addition, this alteration is predicted to be deleterious by in silico analysis. Based on the available evidence, the clinical significance of this variant remains unclear.

NM_006767.4(LZTR1):c.250G>T (p.Gly84Cys)

Gene: LZTR1 (leucine zipper like post translational regulator 1; plus strand). Cytogenetic location: 22q11.21.
Variant type: single nucleotide variant.
Coding change: c.250G>T on transcript NM_006767.4 (MANE Select); coding-DNA position 250, G replaced by T.
Protein change: p.Gly84Cys; replaces glycine 84 with cysteine.
Molecular consequence: missense variant.
Genome position (GRCh38, 1-based): chr22:20,983,076, G>T. VCF-style: chr22-20983076-G-T. GRCh37 (hg19) VCF-style: chr22-21337365-G-T.
Other names: short protein forms G84C.
Identifiers: ClinVar variation 4615638 (VCV004615638.1).